The following is an entry in ClinVar:

ClinVar aggregate classification (germline): Benign/Likely benign. Review status: criteria provided, multiple submitters, no conflicts (2 of 4 stars). 8 submissions from 8 submitters: Benign (4); Likely benign (1). 3 of the submissions do not count toward it. Last evaluated 2026-01-26.

Conditions:
Van Maldergem syndrome 2 (VMLDS2). Identifiers: Orphanet 314679, MedGen C3809875, MONDO:0014242, OMIM 615546.
Hennekam lymphangiectasia-lymphedema syndrome 2 (HKLLS2). Identifiers: Orphanet 2136, MedGen C4014939, MONDO:0014454, OMIM 616006.

Allele frequency attached by ClinVar (database versions not stated): gnomAD exomes 0.00147 and 0.00355; ExAC 0.00440; ESP Exome Variant Server 0.01237; gnomAD 0.01390 and 0.01498; 1000 Genomes Project 30x 0.01437; 1000 Genomes Project 0.01478; TOPMed 0.01547.
gnomAD v4.1: 4,380 of 1,613,876 alleles (0.27%); highest among the groups gnomAD compares: African/African-American, 4.8%; 85 homozygotes.

Submissions (8):

Labcorp Genetics (formerly Invitae), Labcorp
Classification: Benign. Last evaluated: 2026-01-26. Review status: criteria provided, single submitter. Criteria: Invitae Variant Classification Sherloc (09022015). Collection method: clinical testing. Allele origin: germline.

ARUP Laboratories, Molecular Genetics and Genomics, ARUP Laboratories
Classification: Benign. Last evaluated: 2023-11-22. Review status: criteria provided, single submitter. Criteria: ARUP Molecular Germline Variant Investigation Process 2024. Collection method: clinical testing. Allele origin: germline.

Fulgent Genetics
Classification: Likely benign for Van Maldergem syndrome 2; Hennekam lymphangiectasia-lymphedema syndrome 2. Last evaluated: 2021-09-01. Review status: criteria provided, single submitter. Criteria: ACMG Guidelines, 2015. Collection method: clinical testing. Allele origin: unknown.

GeneDx
Classification: Benign. Last evaluated: 2016-03-28. Review status: criteria provided, single submitter. Criteria: GeneDx Variant Classification (06012015). Collection method: clinical testing. Allele origin: germline. Affected: yes.
Comment: This variant is considered likely benign or benign based on one or more of the following criteria: it is a conservative change, it occurs at a poorly conserved position in the protein, it is predicted to be benign by multiple in silico algorithms, and/or has population frequency not consistent with disease.

Breakthrough Genomics
Classification: Benign. Review status: criteria provided, single submitter. Criteria: ACMG Guidelines, 2015. Collection method: not provided. Allele origin: germline. Inheritance: Autosomal recessive inheritance. Affected: yes.

Clinical Genetics DNA and cytogenetics Diagnostics Lab, Erasmus MC, Erasmus Medical Center
Classification: Benign. Review status: no assertion criteria provided. Collection method: clinical testing. Allele origin: germline. Affected: yes. Study: VKGL Data-share Consensus. Not counted in ClinVar's aggregate classification.

Clinical Genetics, Academic Medical Center
Classification: Benign. Review status: no assertion criteria provided. Collection method: clinical testing. Allele origin: germline. Affected: yes. Study: VKGL Data-share Consensus. Not counted in ClinVar's aggregate classification.

Genome Diagnostics Laboratory, University Medical Center Utrecht
Classification: Likely benign. Review status: no assertion criteria provided. Collection method: clinical testing. Allele origin: germline. Affected: yes. Study: VKGL Data-share Consensus. Not counted in ClinVar's aggregate classification.

NM_001291303.3(FAT4):c.1101A>G (p.Val367=)

Gene: FAT4 (FAT atypical cadherin 4; plus strand). Cytogenetic location: 4q28.1.
Variant type: single nucleotide variant.
Coding change: c.1101A>G on transcript NM_001291303.3 (MANE Select); coding-DNA position 1101, A replaced by G.
Protein change: p.Val367=; no amino-acid change (valine 367 retained).
Molecular consequence: synonymous variant.
Genome position (GRCh38, 1-based): chr4:125,317,512, A>G. VCF-style: chr4-125317512-A-G. GRCh37 (hg19) VCF-style: chr4-126238667-A-G.
Other names: c.1101A>G, p.Val367= (NM_001291285.3, NM_024582.6).
Identifiers: ClinVar variation 384624 (VCV000384624.27), dbSNP rs57692448, ClinGen allele CA3071917.